The following is an entry in ClinVar:

ClinVar aggregate classification (germline): Pathogenic (1 of 4 stars; one submission).

Submission:

Labcorp Genetics (formerly Invitae), Labcorp
Classification: Pathogenic. Last evaluated: 2022-05-04. Review status: criteria provided, single submitter. Criteria: Invitae Variant Classification Sherloc (09022015). Collection method: clinical testing. Allele origin: germline.
Comment: For these reasons, this variant has been classified as Pathogenic. Algorithms developed to predict the effect of sequence changes on RNA splicing suggest that this variant may disrupt the consensus splice site. This variant has not been reported in the literature in individuals affected with XPA-related conditions. This variant is not present in population databases (gnomAD no frequency). This sequence change creates a premature translational stop signal (p.Gln146*) in the XPA gene. It is expected to result in an absent or disrupted protein product. Loss-of-function variants in XPA are known to be pathogenic (PMID: 27607234).

Literature cited by the submitters: PubMed 27607234.

NM_000380.4(XPA):c.436C>T (p.Gln146Ter)

Gene: XPA (XPA, DNA damage recognition and repair factor; minus strand). Cytogenetic location: 9q22.33.
Variant type: single nucleotide variant.
Coding change: c.436C>T on transcript NM_000380.4 (MANE Select); coding-DNA position 436, C replaced by T.
Protein change: p.Gln146Ter; replaces glutamine 146 with a stop codon.
Molecular consequence: nonsense. On other transcripts: non-coding transcript variant (4).
Genome position (GRCh38, 1-based): chr9:97,687,215, G>A on the plus strand (C>T on the coding strand, the complement: XPA is on the minus strand). VCF-style: chr9-97687215-G-A. GRCh37 (hg19) VCF-style: chr9-100449497-G-A.
Other names: c.310C>T, p.Gln104Ter (NM_001354975.2); short protein forms Q146*, Q104*.
Identifiers: ClinVar variation 1411593 (VCV001411593.6), dbSNP rs1383912514, ClinGen allele CA374187545.
Genomic context (GRCh38, chr9:97,687,215, plus strand): 5'-CAATAAATTTAAGAGGTGGCTCTCTTTTTTCTAAATCACAGTCTTTCAGAAGATATTCTT[G>A]TTTTGCCTCTGTTTTGGTTATAAGCTTGTGTTTATCATCAGCATCTCTGAAAACAGATTA-3'